The following is an entry in ClinVar:

ClinVar aggregate classification (germline): Likely benign. Review status: criteria provided, multiple submitters, no conflicts (2 of 4 stars). 4 submissions from 4 submitters: Likely benign (4). Last evaluated 2026-02-02.

Conditions:
LRP2-related disorder. Also called: LRP2-related condition.
Donnai-Barrow syndrome. Also called: FACIOOCULOACOUSTICORENAL SYNDROME; DBS/FOAR SYNDROME. Identifiers: Orphanet 2143, MedGen C1857277, MONDO:0009104, OMIM 222448.

Allele frequency attached by ClinVar (database versions not stated): gnomAD 0.00004; gnomAD exomes 0.00004; ExAC 0.00005; TOPMed 0.00006.
gnomAD v4.1: 58 of 1,614,012 alleles (0.0036%); highest among the groups gnomAD compares: Admixed American, 0.01%; no homozygotes.

Submissions (4):

Labcorp Genetics (formerly Invitae), Labcorp
Classification: Likely benign. Last evaluated: 2026-02-02. Review status: criteria provided, single submitter. Criteria: Invitae Variant Classification Sherloc (09022015). Collection method: clinical testing. Allele origin: germline.

PreventionGenetics, part of Exact Sciences
Classification: Likely benign for LRP2-related condition. Last evaluated: 2024-12-02. Review status: criteria provided, single submitter. Criteria: ACMG Guidelines, 2015. Collection method: clinical testing. Allele origin: germline.
Comment: This variant is classified as likely benign based on ACMG/AMP sequence variant interpretation guidelines (Richards et al. 2015 PMID: 25741868, with internal and published modifications).

Blueprint Genetics
Classification: Likely benign. Last evaluated: 2024-04-08. Review status: criteria provided, single submitter. Criteria: ACMG Guidelines, 2015. Collection method: clinical testing. Allele origin: germline.

Fulgent Genetics
Classification: Likely benign for Donnai-Barrow syndrome. Last evaluated: 2021-11-10. Review status: criteria provided, single submitter. Criteria: ACMG Guidelines, 2015. Collection method: clinical testing. Allele origin: unknown.

NM_004525.3(LRP2):c.378G>A (p.Arg126=)

Gene: LRP2 (LDL receptor related protein 2; minus strand). Cytogenetic location: 2q31.1.
Variant type: single nucleotide variant.
Coding change: c.378G>A on transcript NM_004525.3 (MANE Select); coding-DNA position 378, G replaced by A.
Protein change: p.Arg126=; no amino-acid change (arginine 126 retained).
Molecular consequence: synonymous variant.
Genome position (GRCh38, 1-based): chr2:169,307,330, C>T on the plus strand (G>A on the coding strand, the complement: LRP2 is on the minus strand). VCF-style: chr2-169307330-C-T. GRCh37 (hg19) VCF-style: chr2-170163840-C-T.
Other names: c.378G>A (NM_004525.2).
Identifiers: ClinVar variation 1593963 (VCV001593963.12), dbSNP rs753521481, ClinGen allele CA1955899.